The following is an entry in ClinVar:

NM_000494.4(COL17A1):c.3247T>C (p.Ser1083Pro)

Gene: COL17A1 (collagen type XVII alpha 1 chain; minus strand). Cytogenetic location: 10q25.1.
Variant type: single nucleotide variant.
Coding change: c.3247T>C on transcript NM_000494.4 (MANE Select); coding-DNA position 3247, T replaced by C.
Protein change: p.Ser1083Pro; replaces serine 1083 with proline.
Molecular consequence: missense variant.
Genome position (GRCh38, 1-based): chr10:104,037,075, A>G on the plus strand (T>C on the coding strand, the complement: COL17A1 is on the minus strand). VCF-style: chr10-104037075-A-G. GRCh37 (hg19) VCF-style: chr10-105796833-A-G.
Other names: short protein forms S1083P.
Identifiers: ClinVar variation 879634 (VCV000879634.9), dbSNP rs549342922, ClinGen allele CA5678050.

ClinVar aggregate classification (germline): Uncertain significance. Review status: criteria provided, multiple submitters, no conflicts (2 of 4 stars). 3 submissions from 3 submitters: Uncertain significance (3). Last evaluated 2025-08-28.

Conditions:
Inborn genetic diseases. Identifiers: MedGen C0950123, MeSH D030342.
Junctional epidermolysis bullosa, non-Herlitz type. Also called: EPIDERMOLYSIS BULLOSA, JUNCTIONAL 1A, INTERMEDIATE; Adult junctional epidermolysis bullosa; EPIDERMOLYSIS BULLOSA JUNCTIONALIS, DISENTIS TYPE; EPIDERMOLYSIS BULLOSA JUNCTIONALIS, NON-HERLITZ TYPE; EPIDERMOLYSIS BULLOSA JUNCTIONALIS, PROGRESSIVE; EPIDERMOLYSIS BULLOSA JUNCTIONALIS, SEVERE NONLETHAL. Identifiers: Orphanet 251393, Orphanet 79402, Orphanet 79405, Orphanet 89840, MedGen C0268374, MONDO:0009180, OMIM 226650.

Allele frequency attached by ClinVar (database versions not stated): gnomAD below 0.00001 and 0.00002; TOPMed 0.00001; gnomAD exomes 0.00002 and 0.00005; ExAC 0.00006; 1000 Genomes Project 0.00020; 1000 Genomes Project 30x 0.00031.
gnomAD v4.1: 31 of 1,608,038 alleles (0.0019%); highest among the groups gnomAD compares: East Asian, 0.018%; no homozygotes.

Submissions (3):

Ambry Genetics
Classification: Uncertain significance for Inborn genetic diseases. Last evaluated: 2025-08-28. Review status: criteria provided, single submitter. Criteria: Ambry Variant Classification Scheme 2023. Collection method: clinical testing. Allele origin: germline.

Labcorp Genetics (formerly Invitae), Labcorp
Classification: Uncertain significance. Last evaluated: 2024-11-18. Review status: criteria provided, single submitter. Criteria: Invitae Variant Classification Sherloc (09022015). Collection method: clinical testing. Allele origin: germline.
Comment: This sequence change replaces serine, which is neutral and polar, with proline, which is neutral and non-polar, at codon 1083 of the COL17A1 protein (p.Ser1083Pro). This variant is present in population databases (rs549342922, gnomAD 0.02%). This variant has not been reported in the literature in individuals affected with COL17A1-related conditions. ClinVar contains an entry for this variant (Variation ID: 879634). Invitae Evidence Modeling of protein sequence and biophysical properties (such as structural, functional, and spatial information, amino acid conservation, physicochemical variation, residue mobility, and thermodynamic stability) has been performed for this missense variant. However, the output from this modeling did not meet the statistical confidence thresholds required to predict the impact of this variant on COL17A1 protein function. In summary, the available evidence is currently insufficient to determine the role of this variant in disease. Therefore, it has been classified as a Variant of Uncertain Significance.

Illumina Laboratory Services, Illumina
Classification: Uncertain significance for Junctional epidermolysis bullosa, non-Herlitz type. Last evaluated: 2018-01-13. Review status: criteria provided, single submitter. Criteria: ICSL Variant Classification Criteria 13 December 2019. Collection method: clinical testing. Allele origin: germline.